The following is an entry in ClinVar:

NM_002900.3(RBP3):c.2690T>C (p.Met897Thr)

Gene: RBP3 (retinol binding protein 3; plus strand). Cytogenetic location: 10q11.22.
Variant type: single nucleotide variant.
Coding change: c.2690T>C on transcript NM_002900.3 (MANE Select); coding-DNA position 2690, T replaced by C.
Protein change: p.Met897Thr; replaces methionine 897 with threonine.
Molecular consequence: missense variant.
Genome position (GRCh38, 1-based): chr10:47,351,174, T>C. VCF-style: chr10-47351174-T-C. GRCh37 (hg19) VCF-style: chr10-48388188-A-G.
Other names: c.2690T>C (NM_002900.2); short protein forms M897T.
Identifiers: ClinVar variation 1415507 (VCV001415507.8), dbSNP rs782507964, ClinGen allele CA5487224.
Genomic context (GRCh38, chr10:47,351,174, plus strand): 5'-TCTCTGTGGGCATCTACCAGGTGGGCAGCAGCCCCTTATATGCATCCATGCCCACCCAGA[T>C]GGCCATGAGTGCCACCACAGGCAAGGCCTGGGACCTGGCTGGTGTGGAGCCCGACATCAC-3'
Protein context (NP_002891.1, residues 887-907): SPLYASMPTQ[Met897Thr]AMSATTGKAW

ClinVar aggregate classification (germline): Uncertain significance. Review status: criteria provided, multiple submitters, no conflicts (2 of 4 stars). 3 submissions from 3 submitters: Uncertain significance (3). Last evaluated 2024-11-26.

Conditions:
Inborn genetic diseases. Identifiers: MedGen C0950123, MeSH D030342.

Allele frequency attached by ClinVar (database versions not stated): TOPMed 0.00003; ExAC 0.00004; gnomAD exomes 0.00004 and 0.00007.

Submissions (3):

Ambry Genetics
Classification: Uncertain significance for Inborn genetic diseases. Last evaluated: 2024-11-26. Review status: criteria provided, single submitter. Criteria: Ambry Variant Classification Scheme 2023. Collection method: clinical testing. Allele origin: germline.

Labcorp Genetics (formerly Invitae), Labcorp
Classification: Uncertain significance. Last evaluated: 2024-04-23. Review status: criteria provided, single submitter. Criteria: Invitae Variant Classification Sherloc (09022015). Collection method: clinical testing. Allele origin: germline.
Comment: This sequence change replaces methionine, which is neutral and non-polar, with threonine, which is neutral and polar, at codon 897 of the RBP3 protein (p.Met897Thr). This variant is present in population databases (rs782507964, gnomAD 0.05%). This variant has not been reported in the literature in individuals affected with RBP3-related conditions. ClinVar contains an entry for this variant (Variation ID: 1415507). Algorithms developed to predict the effect of missense changes on protein structure and function output the following: SIFT: "Not Available"; PolyPhen-2: "Benign"; Align-GVGD: "Not Available". The threonine amino acid residue is found in multiple mammalian species, which suggests that this missense change does not adversely affect protein function. In summary, the available evidence is currently insufficient to determine the role of this variant in disease. Therefore, it has been classified as a Variant of Uncertain Significance.

Blueprint Genetics
Classification: Uncertain significance. Last evaluated: 2020-09-14. Review status: criteria provided, single submitter. Criteria: ACMG Guidelines, 2015. Collection method: clinical testing. Allele origin: germline.